The following is an entry in ClinVar:

ClinVar aggregate classification (germline): Likely benign. Review status: criteria provided, multiple submitters, no conflicts (2 of 4 stars). 2 submissions from 2 submitters: Likely benign (2). Last evaluated 2023-09-01.

Allele frequency attached by ClinVar (database versions not stated): gnomAD 0.00002; ExAC 0.00013; 1000 Genomes Project 30x 0.00031.
gnomAD v4.1: 71 of 1,612,608 alleles (0.0044%); highest among the groups gnomAD compares: East Asian, 0.049%; 1 homozygote.

Submissions (2):

CeGaT Center for Human Genetics Tuebingen
Classification: Likely benign. Last evaluated: 2023-09-01. Review status: criteria provided, single submitter. Criteria: CeGaT Center For Human Genetics Tuebingen Variant Classification Criteria Version 2. Collection method: clinical testing. Allele origin: germline. Affected: yes. Observed: 1 variant allele.
Comment: KDM6B: BP4, BP7

Blueprint Genetics
Classification: Likely benign. Last evaluated: 2023-05-02. Review status: criteria provided, single submitter. Criteria: ACMG Guidelines, 2015. Collection method: clinical testing. Allele origin: germline.

NM_001348716.2(KDM6B):c.1875G>A (p.Pro625=)

Gene: KDM6B (lysine demethylase 6B; plus strand). Cytogenetic location: 17p13.1.
Variant type: single nucleotide variant.
Coding change: c.1875G>A on transcript NM_001348716.2 (MANE Select); coding-DNA position 1875, G replaced by A.
Protein change: p.Pro625=; no amino-acid change (proline 625 retained).
Molecular consequence: synonymous variant.
Genome position (GRCh38, 1-based): chr17:7,848,163, G>A. VCF-style: chr17-7848163-G-A. GRCh37 (hg19) VCF-style: chr17-7751481-G-A.
Other names: c.1875G>A, p.Pro625= (NM_001080424.2).
Identifiers: ClinVar variation 2647402 (VCV002647402.25), dbSNP rs201687384, ClinGen allele CA8360756.